The following is an entry in ClinVar:

ClinVar aggregate classification (germline): Conflicting classifications of pathogenicity. Review status: criteria provided, conflicting classifications (1 of 4 stars). 2 submissions from 2 submitters: Uncertain significance (1); Likely benign (1). Last evaluated 2025-05-27.

Conditions:
Hereditary cancer-predisposing syndrome. Also called: Hereditary Cancer Syndrome; Neoplastic Syndromes, Hereditary; Hereditary neoplastic syndrome; Tumor predisposition. Identifiers: Orphanet 140162, MedGen C0027672, MeSH D009386, MONDO:0015356.
POLD1-related polyposis and colorectal cancer syndrome (CRCS10). Also called: COLORECTAL CANCER, SUSCEPTIBILITY TO, ON CHROMOSOME 19q; Colorectal cancer 10; Colorectal cancer, susceptibility to, 10. Identifiers: Orphanet 220460, MedGen C2675481, MONDO:0012953, OMIM 612591.

Allele frequency attached by ClinVar (database versions not stated): TOPMed below 0.00001.

Submissions (2):

Ambry Genetics
Classification: Likely benign for Hereditary cancer-predisposing syndrome. Last evaluated: 2025-05-27. Review status: criteria provided, single submitter. Criteria: Ambry Variant Classification Scheme 2023. Collection method: clinical testing. Allele origin: germline.

Labcorp Genetics (formerly Invitae), Labcorp
Classification: Uncertain significance for POLD1-related polyposis and colorectal cancer syndrome. Last evaluated: 2022-02-27. Review status: criteria provided, single submitter. Criteria: Invitae Variant Classification Sherloc (09022015). Collection method: clinical testing. Allele origin: germline.
Comment: In summary, the available evidence is currently insufficient to determine the role of this variant in disease. Therefore, it has been classified as a Variant of Uncertain Significance. Algorithms developed to predict the effect of missense changes on protein structure and function are either unavailable or do not agree on the potential impact of this missense change (SIFT: "Deleterious"; PolyPhen-2: "Probably Damaging"; Align-GVGD: "Class C0"). ClinVar contains an entry for this variant (Variation ID: 239310). This variant has not been reported in the literature in individuals affected with POLD1-related conditions. This variant is not present in population databases (gnomAD no frequency). This sequence change replaces aspartic acid, which is acidic and polar, with asparagine, which is neutral and polar, at codon 911 of the POLD1 protein (p.Asp911Asn).

NM_002691.4(POLD1):c.2731G>A (p.Asp911Asn)

Gene: POLD1 (DNA polymerase delta 1, catalytic subunit; plus strand). Cytogenetic location: 19q13.33.
Variant type: single nucleotide variant.
Coding change: c.2731G>A on transcript NM_002691.4 (MANE Select); coding-DNA position 2731, G replaced by A.
Protein change: p.Asp911Asn; replaces aspartic acid 911 with asparagine.
Molecular consequence: missense variant.
Genome position (GRCh38, 1-based): chr19:50,415,737, G>A. VCF-style: chr19-50415737-G-A. GRCh37 (hg19) VCF-style: chr19-50918994-G-A.
Other names: c.2731G>A, p.Asp911Asn (LRG_785t1, NM_001256849.1); c.2809G>A, p.Asp937Asn (LRG_785t2, NM_001308632.1); c.2731G>A (NM_002691.2); short protein forms D911N, D937N.
Identifiers: ClinVar variation 239310 (VCV000239310.11), dbSNP rs878854541, ClinGen allele CA10583850.